The following is an entry in ClinVar:

NM_001165963.4(SCN1A):c.4288A>G (p.Thr1430Ala)

Genes: SCN1A (sodium voltage-gated channel alpha subunit 1; minus strand), LOC102724058 (uncharacterized LOC102724058; plus strand). Cytogenetic location: 2q24.3.
Variant type: single nucleotide variant.
Coding change: c.4288A>G on transcript NM_001165963.4 (MANE Select); coding-DNA position 4288, A replaced by G.
Protein change: p.Thr1430Ala; replaces threonine 1430 with alanine.
Molecular consequence: missense variant. On other transcripts: non-coding transcript variant (1).
Genome position (GRCh38, 1-based): chr2:165,999,773, T>C on the plus strand (A>G on the coding strand, the complement: SCN1A is on the minus strand). VCF-style: chr2-165999773-T-C. GRCh37 (hg19) VCF-style: chr2-166856283-T-C.
Other names: c.4204A>G, p.Thr1402Ala (NM_001165964.3, NM_001353957.2, NM_001353958.2); c.4288A>G, p.Thr1430Ala (NM_001202435.3, NM_001353948.2); c.4255A>G, p.Thr1419Ala (NM_001353949.2, NM_001353950.2, NM_001353951.2 and 2 more transcripts); c.4252A>G, p.Thr1418Ala (NM_001353954.2, NM_001353955.2); c.4201A>G, p.Thr1401Ala (NM_001353960.2); c.1846A>G, p.Thr616Ala (NM_001353961.2); short protein forms T1401A, T1402A, T1418A, T1419A, T1430A, T616A.
Identifiers: ClinVar variation 4845318 (VCV004845318.1).
Genomic context (GRCh38, chr2:165,999,773, plus strand): 5'-GAATACTTACATTTCTGGAATCAACTGCTGCATACATTATATCCATCCATCCTTTGAATG[T>C]GGCCTATTAAGAAGGACATGCATGTTTTACTTTGGAGTAAAAATAATTTAGACCTGATGT-3'
Protein context (NP_001159435.1, residues 1420-1440): FGYLSLLQVA[Thr1430Ala]FKGWMDIMYA

ClinVar aggregate classification (germline): VUS-mid (1 of 4 stars; one submission).

Conditions:
Severe myoclonic epilepsy in infancy (DRVT). Also called: SEVERE MYOCLONIC EPILEPSY OF INFANCY; DEVELOPMENTAL AND EPILEPTIC ENCEPHALOPATHY 6A; Severe Myoclonic Epilepsy in Infancy (SMEI); Epileptic encephalopathy, early infantile, 6 (Dravet syndrome); Dravet syndrome. Identifiers: Orphanet 33069, MedGen C0751122, MONDO:0100135, OMIM 607208.

Submission:

Centro de Investigaciones en Bioquimica Clinica e Inmunologia, Consejo Nacional de Investigaciones Científicas y Técnicas
Classification: VUS-mid for Severe myoclonic epilepsy in infancy. Last evaluated: 2026-03-09. Review status: criteria provided, single submitter. Criteria: ACMG Guidelines, 2015. Collection method: research. Allele origin: germline. Inheritance: Autosomal dominant inheritance. Affected: yes. Observed: 1 variant allele.
Comment: The variant is absent from the gnomAD population database (PM2_Supporting). In silico prediction using REVEL suggests a deleterious effect on the protein (PP3_Moderate). However, the currently available evidence is insufficient to determine the clinical significance of this variant. Therefore, it is classified as a Variant of Uncertain Significance.